The following is an entry in ClinVar:

NM_001161352.2(KCNMA1):c.2548G>A (p.Val850Ile)

Genes: KCNMA1-AS1 (KCNMA1 antisense RNA 1; plus strand), KCNMA1 (potassium calcium-activated channel subfamily M alpha 1; minus strand). Cytogenetic location: 10q22.3.
Variant type: single nucleotide variant.
Coding change: c.2548G>A on transcript NM_001161352.2 (MANE Select); coding-DNA position 2548, G replaced by A.
Protein change: p.Val850Ile; replaces valine 850 with isoleucine.
Molecular consequence: missense variant.
Genome position (GRCh38, 1-based): chr10:76,949,303, C>T on the plus strand (G>A on the coding strand, the complement: KCNMA1 is on the minus strand). VCF-style: chr10-76949303-C-T. GRCh37 (hg19) VCF-style: chr10-78709061-C-T.
Other names: c.2386G>A, p.Val796Ile (NM_001014797.3, NM_001322835.2, NM_001322837.2); c.2497G>A, p.Val833Ile (NM_001161353.2); c.2224G>A, p.Val742Ile (NM_001271518.2); c.2383G>A, p.Val795Ile (NM_001271519.2, NM_001322829.2, NM_001322836.2); c.2395G>A, p.Val799Ile (NM_001322830.2); c.2374G>A, p.Val792Ile (NM_001322832.2, NM_002247.4); c.1921G>A, p.Val641Ile (NM_001322838.2); short protein forms V792I, V796I, V795I, V833I, V641I, V742I, V850I, V799I.
Identifiers: ClinVar variation 464295 (VCV000464295.52), dbSNP rs142770262, ClinGen allele CA5568039.
Genomic context (GRCh38, chr10:76,949,303, plus strand): 5'-GAAAGTTGCTGGCACGGAGCGGCATCACCAGGTTCCGGAGGCCGATCAGGGCTGAGCTGA[C>T]GTCGCCAAAGATGCAGACCACGACATGGCCACTCAGGACGGTCATGGCAGCTTCACTTCG-3'
Protein context (NP_001154824.1, residues 840-860): GHVVVCIFGD[Val850Ile]SSALIGLRNL

ClinVar aggregate classification (germline): Likely benign. Review status: criteria provided, multiple submitters, no conflicts (2 of 4 stars). 7 submissions from 7 submitters: Likely benign (6). 1 of the submissions does not count toward it. Last evaluated 2025-10-13.

Conditions:
KCNMA1-related disorder. Also called: KCNMA1-related disorders; KCNMA1-related condition.
Generalized epilepsy-paroxysmal dyskinesia syndrome (PNKD3). Also called: Paroxysmal nonkinesigenic dyskinesia, 3, with or without generalized epilepsy; Generalized epilepsy and paroxysmal dyskinesia. Identifiers: Orphanet 79137, MedGen C5574945, MONDO:0012276, OMIM 609446.

Allele frequency attached by ClinVar (database versions not stated): ESP Exome Variant Server 0.00015; gnomAD 0.00017 and 0.00028; TOPMed 0.00019; gnomAD exomes 0.00032 and 0.00058; ExAC 0.00071; 1000 Genomes Project 30x 0.00078; 1000 Genomes Project 0.00100.
gnomAD v4.1: 523 of 1,614,042 alleles (0.032%); highest among the groups gnomAD compares: South Asian, 0.32%; 5 homozygotes.

Submissions (7):

Labcorp Genetics (formerly Invitae), Labcorp
Classification: Likely benign for Generalized epilepsy-paroxysmal dyskinesia syndrome. Last evaluated: 2025-10-13. Review status: criteria provided, single submitter. Criteria: Invitae Variant Classification Sherloc (09022015). Collection method: clinical testing. Allele origin: germline.

Blueprint Genetics
Classification: Likely benign. Last evaluated: 2024-11-05. Review status: criteria provided, single submitter. Criteria: ACMG Guidelines, 2015. Collection method: clinical testing. Allele origin: germline.

CeGaT Center for Human Genetics Tuebingen
Classification: Likely benign. Last evaluated: 2024-03-01. Review status: criteria provided, single submitter. Criteria: CeGaT Center For Human Genetics Tuebingen Variant Classification Criteria Version 2. Collection method: clinical testing. Allele origin: germline. Affected: yes. Observed: 2 variant alleles.
Comment: KCNMA1: PP2, BS2

GeneDx
Classification: Likely benign. Last evaluated: 2020-06-19. Review status: criteria provided, single submitter. Criteria: GeneDx Variant Classification Process June 2021. Collection method: clinical testing. Allele origin: germline. Affected: yes.

Eurofins Ntd Llc (ga)
Classification: Likely benign. Last evaluated: 2018-01-25. Review status: criteria provided, single submitter. Criteria: EGL Classification Definitions 2015. Collection method: clinical testing. Allele origin: germline. Observed: 1 variant allele, 1 heterozygote.

Illumina Laboratory Services, Illumina
Classification: Likely benign for Generalized epilepsy-paroxysmal dyskinesia syndrome. Last evaluated: 2018-01-12. Review status: criteria provided, single submitter. Criteria: ICSL Variant Classification Criteria 13 December 2019. Collection method: clinical testing. Allele origin: germline.
Comment: This variant was observed in the ICSL laboratory as part of a predisposition screen in an ostensibly healthy population. It had not been previously curated by ICSL or reported in the Human Gene Mutation Database (HGMD: prior to June 1st, 2018), and was therefore a candidate for classification through an automated scoring system. Utilizing variant allele frequency, disease prevalence and penetrance estimates, and inheritance mode, an automated score was calculated to assess if this variant is too frequent to cause the disease. Based on the score and internal cut-off values, a variant classified as likely benign is not then subjected to further curation. The score for this variant resulted in a classification of likely benign for this disease.

PreventionGenetics, part of Exact Sciences
Classification: Likely benign for KCNMA1-related condition. Last evaluated: 2022-06-02. Review status: no assertion criteria provided. Collection method: clinical testing. Allele origin: germline. Not counted in ClinVar's aggregate classification.
Comment: This variant is classified as likely benign based on ACMG/AMP sequence variant interpretation guidelines (Richards et al. 2015 PMID: 25741868, with internal and published modifications).